The following is an entry in ClinVar:

NM_000179.3(MSH6):c.628-56C>T

Gene: MSH6 (mutS homolog 6; plus strand). Cytogenetic location: 2p16.3.
Variant type: single nucleotide variant.
Coding change: c.628-56C>T on transcript NM_000179.3 (MANE Select); 56 bases into the intron before coding-DNA position 628, C replaced by T.
Molecular consequence: intron variant.
Genome position (GRCh38, 1-based): chr2:47,798,555, C>T. VCF-style: chr2-47798555-C-T. GRCh37 (hg19) VCF-style: chr2-48025694-C-T.
Other names: c.-279-56C>T (NM_001281493.2); c.238-56C>T (NM_001281492.2); c.-275-60C>T (NM_001281494.2).
Identifiers: ClinVar variation 89543 (VCV000089543.18), dbSNP rs1800936, ClinGen allele CA016020.
Genomic context (GRCh38, chr2:47,798,555, plus strand): 5'-AAAACAGTGGCTGCACGGGTACCATTATAAAGTCAAAAAATCATAAGTTGAACTGTCTTA[C>T]ATTATGGTTTTCCAAATTTTGATTTGTTTTTAAATACTCTTTCCTTGCCTGGCAGGTAGG-3'

ClinVar aggregate classification (germline): Benign. Review status: reviewed by expert panel (3 of 4 stars). 5 submissions from 5 submitters: Benign (1). 4 of the submissions do not count toward it. Last evaluated 2013-09-05.

Conditions:
Lynch syndrome. Identifiers: Orphanet 144, MedGen C4552100, MONDO:0005835. Disease mechanism: loss of function.

Allele frequency attached by ClinVar (database versions not stated): 1000 Genomes Project 0.06490; 1000 Genomes Project 30x 0.06590; TOPMed 0.10558; gnomAD 0.11185 and 0.11629.

Submissions (5):

International Society for Gastrointestinal Hereditary Tumours (InSiGHT)
Classification: Benign for Lynch Syndrome. Last evaluated: 2013-09-05. Review status: reviewed by expert panel. Criteria: Guidelines v1.9. Collection method: research. Allele origin: germline.
Comment: MAF >1%

Classified with v1.9 guidelines
ClinVar note: Converted during submission from no known pathogenicity to Benign.

ARUP Laboratories, Molecular Genetics and Genomics, ARUP Laboratories
Classification: Benign. Last evaluated: 2018-07-02. Review status: criteria provided, single submitter. Criteria: ARUP Molecular Germline Variant Investigation Process. Collection method: clinical testing. Allele origin: germline. Not counted in ClinVar's aggregate classification.

GeneDx
Classification: Benign. Last evaluated: 2015-03-03. Review status: criteria provided, single submitter. Criteria: GeneDx Variant Classification Process June 2021. Collection method: clinical testing. Allele origin: germline. Affected: yes. Not counted in ClinVar's aggregate classification.

Breakthrough Genomics
Classification: Benign. Review status: criteria provided, single submitter. Criteria: ACMG Guidelines, 2015. Collection method: not provided. Allele origin: germline. Inheritance: Autosomal recessive inheritance. Affected: yes. Not counted in ClinVar's aggregate classification.

Mayo Clinic Laboratories, Mayo Clinic
Classification: Benign. Review status: no assertion criteria provided. Collection method: research. Allele origin: unknown. Observed: 52 variant alleles, 1 homozygote. Not counted in ClinVar's aggregate classification.